The following is an entry in ClinVar:

NM_001375405.1(CEP120):c.38C>A (p.Ser13Tyr)

Gene: CEP120 (centrosomal protein 120; minus strand). Cytogenetic location: 5q23.2.
Variant type: single nucleotide variant.
Coding change: c.38C>A on transcript NM_001375405.1 (MANE Select); coding-DNA position 38, C replaced by A.
Protein change: p.Ser13Tyr; replaces serine 13 with tyrosine.
Molecular consequence: missense variant. On other transcripts: 5 prime UTR variant (2), non-coding transcript variant (1), intron variant (1).
Genome position (GRCh38, 1-based): chr5:123,422,961, G>T on the plus strand (C>A on the coding strand, the complement: CEP120 is on the minus strand). VCF-style: chr5-123422961-G-T. GRCh37 (hg19) VCF-style: chr5-122758655-G-T.
Other names: c.38C>A, p.Ser13Tyr (NM_001375406.1, NM_001375407.1, NM_153223.4); c.-711C>A (NM_001375408.1); c.-653C>A (NM_001375409.1); c.-30+548C>A (NM_001166226.2); short protein forms S13Y.
Identifiers: ClinVar variation 1466298 (VCV001466298.6), dbSNP rs772928146, ClinGen allele CA3387392.
Genomic context (GRCh38, chr5:123,422,961, plus strand): 5'-TTAAAACTCGGGAGGCAGCAGTTGCAAAAGCAAGCCTCAGGCTGCTCACCTTCTAGGATG[G>T]ACACGACGATGAGCAATTGGTCGGATTTGGAGACCATGGTTGCGGTGAGCGGTCCGGGGG-3'
Protein context (NP_001362334.1, residues 3-23): SKSDQLLIVV[Ser13Tyr]ILEGRHFPKR

ClinVar aggregate classification (germline): Uncertain significance (1 of 4 stars; one submission).

Conditions:
Short-rib thoracic dysplasia 13 with or without polydactyly (SRTD13). Identifiers: Orphanet 474, MedGen C4225378, MONDO:0014577, OMIM 616300.

Allele frequency attached by ClinVar (database versions not stated): gnomAD exomes 0.00002; ExAC 0.00003.
gnomAD v4.1: 13 of 1,614,182 alleles (0.00081%); highest among the groups gnomAD compares: South Asian, 0.014%; no homozygotes.

Submission:

Labcorp Genetics (formerly Invitae), Labcorp
Classification: Uncertain significance for Short-rib thoracic dysplasia 13 with or without polydactyly. Last evaluated: 2023-07-07. Review status: criteria provided, single submitter. Criteria: Invitae Variant Classification Sherloc (09022015). Collection method: clinical testing. Allele origin: germline.
Comment: This sequence change replaces serine, which is neutral and polar, with tyrosine, which is neutral and polar, at codon 13 of the CEP120 protein (p.Ser13Tyr). This variant is present in population databases (rs772928146, gnomAD 0.02%). This variant has not been reported in the literature in individuals affected with CEP120-related conditions. ClinVar contains an entry for this variant (Variation ID: 1466298). Advanced modeling of protein sequence and biophysical properties (such as structural, functional, and spatial information, amino acid conservation, physicochemical variation, residue mobility, and thermodynamic stability) performed at Invitae indicates that this missense variant is expected to disrupt CEP120 protein function. In summary, the available evidence is currently insufficient to determine the role of this variant in disease. Therefore, it has been classified as a Variant of Uncertain Significance.